The following is an entry in ClinVar:

ClinVar aggregate classification (germline): Uncertain significance. Review status: criteria provided, multiple submitters, no conflicts (2 of 4 stars). 2 submissions from 2 submitters: Uncertain significance (2). Last evaluated 2025-01-04.

Conditions:
Hereditary cancer-predisposing syndrome. Also called: Neoplastic Syndromes, Hereditary; Tumor predisposition; Hereditary neoplastic syndrome; Hereditary Cancer Syndrome. Identifiers: Orphanet 140162, MedGen C0027672, MeSH D009386, MONDO:0015356.

Submissions (2):

Ambry Genetics
Classification: Uncertain significance for Hereditary cancer-predisposing syndrome. Last evaluated: 2025-01-04. Review status: criteria provided, single submitter. Criteria: Ambry Variant Classification Scheme 2023. Collection method: clinical testing. Allele origin: germline.
Comment: The p.D16G variant (also known as c.47A>G), located in coding exon 1 of the POLE gene, results from an A to G substitution at nucleotide position 47. The aspartic acid at codon 16 is replaced by glycine, an amino acid with similar properties. This amino acid position is conserved. In addition, this alteration is predicted to be tolerated by in silico analysis. Based on the available evidence, the clinical significance of this variant remains unclear.

Labcorp Genetics (formerly Invitae), Labcorp
Classification: Uncertain significance. Last evaluated: 2023-10-07. Review status: criteria provided, single submitter. Criteria: Invitae Variant Classification Sherloc (09022015). Collection method: clinical testing. Allele origin: germline.
Comment: This sequence change replaces aspartic acid, which is acidic and polar, with glycine, which is neutral and non-polar, at codon 16 of the POLE protein (p.Asp16Gly). This variant is not present in population databases (gnomAD no frequency). This variant has not been reported in the literature in individuals affected with POLE-related conditions. ClinVar contains an entry for this variant (Variation ID: 643848). An algorithm developed to predict the effect of missense changes on protein structure and function (PolyPhen-2) suggests that this variant is likely to be tolerated. In summary, the available evidence is currently insufficient to determine the role of this variant in disease. Therefore, it has been classified as a Variant of Uncertain Significance.

NM_006231.4(POLE):c.47A>G (p.Asp16Gly)

Genes: POLE (DNA polymerase epsilon, catalytic subunit; minus strand), LOC130009266 (ATAC-STARR-seq lymphoblastoid silent region 5123; plus strand). Cytogenetic location: 12q24.33.
Variant type: single nucleotide variant.
Coding change: c.47A>G on transcript NM_006231.4 (MANE Select); coding-DNA position 47, A replaced by G.
Protein change: p.Asp16Gly; replaces aspartic acid 16 with glycine.
Molecular consequence: missense variant.
Genome position (GRCh38, 1-based): chr12:132,687,269, T>C on the plus strand (A>G on the coding strand, the complement: POLE is on the minus strand). VCF-style: chr12-132687269-T-C. GRCh37 (hg19) VCF-style: chr12-133263855-T-C.
Other names: c.47A>G (NM_006231.2); short protein forms D16G.
Identifiers: ClinVar variation 643848 (VCV000643848.10), dbSNP rs1333842547, ClinGen allele CA387373361.